The following is an entry in ClinVar:

NM_001042492.3(NF1):c.2040_2041delinsAA (p.Cys680_Arg681delinsTer)

Gene: NF1 (neurofibromin 1; plus strand). Cytogenetic location: 17q11.2.
Variant type: Indel.
Coding change: c.2040_2041delinsAA on transcript NM_001042492.3 (MANE Select); coding-DNA positions 2040 to 2041, CC replaced by AA.
Protein change: p.Cys680_Arg681delinsTer.
Molecular consequence: nonsense.
Genome position (GRCh38, 1-based): chr17:31,226,473-31,226,474, CC replaced by AA. VCF-style: chr17-31226473-CC-AA. GRCh37 (hg19) VCF-style: chr17-29553491-CC-AA.
Other names: c.2040_2041delinsAA, p.Cys680_Arg681delinsTer (NM_000267.4); short protein forms C680*.
Identifiers: ClinVar variation 4715714 (VCV004715714.1).
Genomic context (GRCh38, chr17:31,226,473, plus strand): 5'-GTCTTCCACCCTTGACTCTCAGGATAGTGCAGCAGGATGCAGCGGAACCCCCCCGATTTG[CC>AA]GACAAGCCCAGACCAAACTAGAAGTGGCCCTGTACATGTTTCTGTGGAACCCTGACACTG-3'

ClinVar aggregate classification (germline): Pathogenic (1 of 4 stars; one submission).

Conditions:
Neurofibromatosis, type 1 (NF1). Also called: VON RECKLINGHAUSEN DISEASE; Peripheral type neurofibromatosis; NEUROFIBROMATOSIS, TYPE I, SOMATIC; Neurofibromatosis, type I. Identifiers: Orphanet 636, MedGen C0027831, MONDO:0018975, OMIM 162200. Disease mechanism: loss of function.

Submission:

Labcorp Genetics (formerly Invitae), Labcorp
Classification: Pathogenic for Neurofibromatosis, type 1. Last evaluated: 2025-03-23. Review status: criteria provided, single submitter. Criteria: Invitae Variant Classification Sherloc (09022015). Collection method: clinical testing. Allele origin: germline.
Comment: This sequence change creates a premature translational stop signal (p.Cys680*) in the NF1 gene. It is expected to result in an absent or disrupted protein product. Loss-of-function variants in NF1 are known to be pathogenic (PMID: 10712197, 23913538). Information on the frequency of this variant in the gnomAD database is not available, as this variant may be reported differently in the database. This variant has not been reported in the literature in individuals affected with NF1-related conditions. For these reasons, this variant has been classified as Pathogenic.

Literature cited by the submitters: PubMed 10712197; PubMed 23913538.